The following is an entry in ClinVar:

NM_022124.6(CDH23):c.6133G>A (p.Asp2045Asn)

Gene: CDH23 (cadherin related 23; plus strand). Cytogenetic location: 10q22.1.
Variant type: single nucleotide variant.
Coding change: c.6133G>A on transcript NM_022124.6 (MANE Select); coding-DNA position 6133, G replaced by A.
Protein change: p.Asp2045Asn; replaces aspartic acid 2045 with asparagine.
Molecular consequence: missense variant.
Genome position (GRCh38, 1-based): chr10:71,791,215, G>A. VCF-style: chr10-71791215-G-A. GRCh37 (hg19) VCF-style: chr10-73550972-G-A.
Other names: D1243N; short protein forms D2045N.
Identifiers: ClinVar variation 4919 (VCV000004919.5), dbSNP rs121908348, ClinGen allele CA253326.

ClinVar aggregate classification (germline): Pathogenic/Likely pathogenic. Review status: criteria provided, multiple submitters, no conflicts (2 of 4 stars). 5 submissions from 5 submitters: Pathogenic (2); Likely pathogenic (1). 2 of the submissions do not count toward it. Last evaluated 2025-07-14.

Conditions:
Usher syndrome. Also called: Usher's syndrome; Usher Syndromes. Identifiers: Orphanet 886, MedGen CN469326, MeSH D052245, MONDO:0019501. Disease mechanism: loss of function.
Pituitary adenoma 5, multiple types. Identifiers: MedGen C4539685, MONDO:0054601, OMIM 617540.
Usher syndrome type 1 (USH1). Also called: RETINITIS PIGMENTOSA AND CONGENITAL DEAFNESS. Identifiers: Orphanet 231169, Orphanet 886, MedGen C1568247, MONDO:0010168, OMIM 276900.
Hearing loss, autosomal recessive. Also called: Deafness, autosomal recessive; Autosomal recessive nonsyndromic deafness; Rare autosomal recessive non-syndromic sensorineural deafness type DFNB; Nonsyndromic Hearing Loss, Recessive. Identifiers: Orphanet 90635, Orphanet 90636, MedGen C1846647, MONDO:0019588, OMIM 607197.
Autosomal recessive nonsyndromic hearing loss 12. Also called: DEAFNESS, AUTOSOMAL RECESSIVE 12. Identifiers: Orphanet 90636, MedGen C1832394, MONDO:0011067, OMIM 601386.

Allele frequency attached by ClinVar (database versions not stated): gnomAD exomes below 0.00001 and 0.00001; ExAC 0.00001.
gnomAD v4.1: 7 of 1,613,678 alleles (0.00043%); highest among the groups gnomAD compares: South Asian, 0.0077%; no homozygotes.

Submissions (5):

Women's Health and Genetics/Laboratory Corporation of America, LabCorp
Classification: Pathogenic for Usher syndrome. Last evaluated: 2025-07-14. Review status: criteria provided, single submitter. Criteria: LabCorp Variant Classification Summary - May 2015. Collection method: clinical testing. Allele origin: germline.
Comment: Variant summary: CDH23 c.6133G>A (p.Asp2045Asn) results in a conservative amino acid change in the encoded protein sequence. Algorithms developed to predict the effect of missense changes on protein structure and function are either unavailable or do not agree on the potential impact of this missense change. The variant allele was found at a frequency of 4e-06 in 248528 control chromosomes (gnomAD). c.6133G>A has been observed in multiple homozygous individuals affected with nonsyndromic deafness (e.g., Bork_2001). These data indicate that the variant is very likely to be associated with disease. The following publication has been ascertained in the context of this evaluation (PMID: 11090341). ClinVar contains an entry for this variant (Variation ID: 4919). Based on the evidence outlined above, the variant was classified as pathogenic.

Natera, Inc.
Classification: Likely pathogenic for Usher syndrome type 1. Last evaluated: 2024-07-08. Review status: criteria provided, single submitter. Criteria: Natera Variant Classification Schema (03/2026). Collection method: clinical testing. Allele origin: germline.
Comment: The c.6133G>A variant in CDH23 is a missense variant predicted to cause substitution of aspartic acid to asparagine at amino acid 2045. This variant is rare in the general population with a frequency below the threshold expected for the associated phenotype(s). This variant has been observed in one or more individuals affected with the associated recessive disease, as either homozygous or compound heterozygous with a second variant (PMID: 33879512, 11090341, 21940737). Additionally, this variant has been observed to segregate in affected family members (PMID: 11090341, 21940737). Given the available evidence, this variant is classified as Likely Pathogenic.

Baylor Genetics
Classification: Pathogenic for Pituitary adenoma 5, multiple types. Last evaluated: 2021-12-26. Review status: criteria provided, single submitter. Criteria: ACMG Guidelines, 2015. Collection method: clinical testing. Allele origin: unknown.

OMIM
Classification: Pathogenic for DEAFNESS, AUTOSOMAL RECESSIVE 12. Last evaluated: 2001-01-01. Review status: no assertion criteria provided. Collection method: literature only. Allele origin: germline. Not counted in ClinVar's aggregate classification.

University of Washington Center for Mendelian Genomics, University of Washington
Classification: Likely pathogenic for non-syndromic autosomal recessive hearing loss. Review status: no assertion criteria provided. Collection method: research. Allele origin: inherited. Affected: yes. Not counted in ClinVar's aggregate classification.

Literature cited by the submitters: PubMed 11090341 (cited by 3 submitters); PubMed 33879512 (cited by Natera, Inc.); PubMed 21940737 (cited by Natera, Inc.); PubMed 30303587 (cited by University of Washington Center for Mendelian Genomics, University of Washington).